The following is an entry in ClinVar:

ClinVar aggregate classification (germline): Pathogenic. Review status: criteria provided, multiple submitters, no conflicts (2 of 4 stars). 2 submissions from 2 submitters: Pathogenic (2). Last evaluated 2025-12-03.

Conditions:
Neurofibromatosis, type 1 (NF1). Also called: VON RECKLINGHAUSEN DISEASE; NEUROFIBROMATOSIS, TYPE I, SOMATIC; Peripheral type neurofibromatosis; Neurofibromatosis, type I. Identifiers: Orphanet 636, MedGen C0027831, MONDO:0018975, OMIM 162200. Disease mechanism: loss of function.

Submissions (2):

Labcorp Genetics (formerly Invitae), Labcorp
Classification: Pathogenic for Neurofibromatosis, type 1. Last evaluated: 2025-12-03. Review status: criteria provided, single submitter. Criteria: Invitae Variant Classification Sherloc (09022015). Collection method: clinical testing. Allele origin: germline.
Comment: This sequence change creates a premature translational stop signal (p.Glu217*) in the NF1 gene. It is expected to result in an absent or disrupted protein product. Loss-of-function variants in NF1 are known to be pathogenic (PMID: 10712197, 23913538). This variant is not present in population databases (gnomAD no frequency). This variant has not been reported in the literature in individuals affected with NF1-related conditions. Invitae Evidence Modeling of clinical and family history, age, sex, and reported ancestry of multiple individuals with this NF1 variant has been performed. This variant is expected to be pathogenic with a positive predictive value of at least 99%. This is a validated machine learning model that incorporates the clinical features of 1,785,918 individuals referred to our laboratory for NF1 testing. ClinVar contains an entry for this variant (Variation ID: 237587). For these reasons, this variant has been classified as Pathogenic.

Molecular Pathology, Peter Maccallum Cancer Centre
Classification: Pathogenic for Neurofibromatosis, type 1. Last evaluated: 2025-02-04. Review status: criteria provided, single submitter. Criteria: ACMG Guidelines, 2015. Collection method: clinical testing. Allele origin: germline. Inheritance: Autosomal dominant inheritance.

Literature cited by the submitters: PubMed 10712197 (cited by Labcorp Genetics (formerly Invitae), Labcorp); PubMed 23913538 (cited by Labcorp Genetics (formerly Invitae), Labcorp).

NM_001042492.3(NF1):c.649G>T (p.Glu217Ter)

Gene: NF1 (neurofibromin 1; plus strand). Cytogenetic location: 17q11.2.
Variant type: single nucleotide variant.
Coding change: c.649G>T on transcript NM_001042492.3 (MANE Select); coding-DNA position 649, G replaced by T.
Protein change: p.Glu217Ter; replaces glutamic acid 217 with a stop codon.
Molecular consequence: nonsense.
Genome position (GRCh38, 1-based): chr17:31,181,484, G>T. VCF-style: chr17-31181484-G-T. GRCh37 (hg19) VCF-style: chr17-29508502-G-T.
Other names: c.649G>T, p.Glu217Ter (NM_001128147.3, NM_000267.4); short protein forms E217*.
Identifiers: ClinVar variation 237587 (VCV000237587.8), dbSNP rs878853909, ClinGen allele CA10583463.